The following is an entry in ClinVar:

NM_001144967.3(NEDD4L):c.10G>A (p.Gly4Arg)

Genes: NEDD4L (NEDD4 like E3 ubiquitin protein ligase; plus strand), LOC130062568 (ATAC-STARR-seq lymphoblastoid silent region 9483; plus strand). Cytogenetic location: 18q21.31.
Variant type: single nucleotide variant.
Coding change: c.10G>A on transcript NM_001144967.3 (MANE Select); coding-DNA position 10, G replaced by A.
Protein change: p.Gly4Arg; replaces glycine 4 with arginine.
Molecular consequence: missense variant.
Genome position (GRCh38, 1-based): chr18:58,044,670, G>A. VCF-style: chr18-58044670-G-A. GRCh37 (hg19) VCF-style: chr18-55711902-G-A.
Other names: c.10G>A, p.Gly4Arg (NM_001243960.2, NM_015277.6); short protein forms G4R.
Identifiers: ClinVar variation 3723309 (VCV003723309.2).

ClinVar aggregate classification (germline): Uncertain significance (1 of 4 stars; one submission).

gnomAD v4.1: 3 of 1,601,808 alleles (0.00019%); highest among the groups gnomAD compares: South Asian, 0.0011%; no homozygotes.

Submission:

Labcorp Genetics (formerly Invitae), Labcorp
Classification: Uncertain significance. Last evaluated: 2024-10-20. Review status: criteria provided, single submitter. Criteria: Invitae Variant Classification Sherloc (09022015). Collection method: clinical testing. Allele origin: germline.
Comment: This sequence change replaces glycine, which is neutral and non-polar, with arginine, which is basic and polar, at codon 4 of the NEDD4L protein (p.Gly4Arg). This variant is not present in population databases (gnomAD no frequency). This variant has not been reported in the literature in individuals affected with NEDD4L-related conditions. An algorithm developed to predict the effect of missense changes on protein structure and function (PolyPhen-2) suggests that this variant is likely to be tolerated. In summary, the available evidence is currently insufficient to determine the role of this variant in disease. Therefore, it has been classified as a Variant of Uncertain Significance.